The following is an entry in ClinVar:

ClinVar aggregate classification (germline): Uncertain significance (0 of 4 stars; one submission).

Conditions:
NCOA1-related disorder. Also called: NCOA1-related condition.

gnomAD v4.1: 13 of 1,614,148 alleles (0.00081%); highest among the groups gnomAD compares: South Asian, 0.0044%; no homozygotes.

Submission:

PreventionGenetics, part of Exact Sciences
Classification: Uncertain significance for NCOA1-related condition. Last evaluated: 2024-01-17. Review status: no assertion criteria provided. Collection method: clinical testing. Allele origin: germline.
Comment: The NCOA1 c.2936C>T variant is predicted to result in the amino acid substitution p.Thr979Met. To our knowledge, this variant has not been reported in the literature. This variant is reported in 0.0062% of alleles in individuals of African descent in gnomAD. At this time, the clinical significance of this variant is uncertain due to the absence of conclusive functional and genetic evidence.

NM_003743.5(NCOA1):c.2936C>T (p.Thr979Met)

Gene: NCOA1 (nuclear receptor coactivator 1; plus strand). Cytogenetic location: 2p23.3.
Variant type: single nucleotide variant.
Coding change: c.2936C>T on transcript NM_003743.5 (MANE Select); coding-DNA position 2936, C replaced by T.
Protein change: p.Thr979Met; replaces threonine 979 with methionine.
Molecular consequence: missense variant.
Genome position (GRCh38, 1-based): chr2:24,729,550, C>T. VCF-style: chr2-24729550-C-T. GRCh37 (hg19) VCF-style: chr2-24952419-C-T.
Other names: c.2936C>T, p.Thr979Met (NM_001362950.1, NM_001362952.1, NM_001362954.1 and 3 more transcripts); short protein forms T979M.
Identifiers: ClinVar variation 3355145 (VCV003355145.1).